The following is an entry in ClinVar:

ClinVar aggregate classification (germline): Likely pathogenic (1 of 4 stars; one submission).

Conditions:
Hereditary cancer-predisposing syndrome. Also called: Tumor predisposition; Hereditary Cancer Syndrome; Neoplastic Syndromes, Hereditary; Hereditary neoplastic syndrome. Identifiers: Orphanet 140162, MedGen C0027672, MeSH D009386, MONDO:0015356.

Submission:

Color Diagnostics, LLC DBA Color Health
Classification: Likely pathogenic for Hereditary cancer-predisposing syndrome. Last evaluated: 2021-01-18. Review status: criteria provided, single submitter. Criteria: ACMG Guidelines, 2015. Collection method: clinical testing. Allele origin: germline.
Comment: This variant causes a T to G nucleotide substitution at the +2 position of intron 10 of the BMPR1A gene. Splice site prediction tools predict that this variant may have a significant impact on RNA splicing. Although this prediction has not been confirmed in published RNA studies, this variant is expected to result in an absent or disrupted protein product. This variant has not been reported in individuals affected with hereditary cancer in the literature. This variant has not been identified in the general population by the Genome Aggregation Database (gnomAD). Loss of BMPR1A function is a known mechanism of disease. Based on the available evidence, this variant is classified as Likely Pathogenic.

NM_004329.3(BMPR1A):c.1166+2T>G

Gene: BMPR1A (bone morphogenetic protein receptor type 1A; plus strand). Cytogenetic location: 10q23.2.
Variant type: single nucleotide variant.
Coding change: c.1166+2T>G on transcript NM_004329.3 (MANE Select); the canonical splice donor site of the intron after coding-DNA position 1166, T replaced by G.
Molecular consequence: splice donor variant.
Genome position (GRCh38, 1-based): chr10:86,919,471, T>G. VCF-style: chr10-86919471-T-G. GRCh37 (hg19) VCF-style: chr10-88679228-T-G.
Other names: c.1166+2T>G (NM_001406562.1, NM_001406568.1, NM_001406567.1 and 19 more transcripts); c.1082+2T>G (NM_001406584.1, NM_001406588.1, NM_001406587.1 and 2 more transcripts); c.1214+2T>G (NM_001406560.1); c.1241+2T>G (NM_001406559.1); c.1160+2T>G (NM_001406583.1); c.824+2T>G (NM_001406589.1).
Identifiers: ClinVar variation 1331984 (VCV001331984.2), dbSNP rs750011688, ClinGen allele CA377461375.